The following is an entry in ClinVar:

ClinVar aggregate classification (germline): Benign/Likely benign. Review status: criteria provided, multiple submitters, no conflicts (2 of 4 stars). 3 submissions from 3 submitters: Benign (1); Likely benign (2). Last evaluated 2026-07-29.

Conditions:
Hereditary cancer-predisposing syndrome. Also called: Hereditary Cancer Syndrome; Hereditary neoplastic syndrome; Neoplastic Syndromes, Hereditary; Tumor predisposition. Identifiers: Orphanet 140162, MedGen C0027672, MeSH D009386, MONDO:0015356.
Hereditary pheochromocytoma and paraganglioma. Also called: Hereditary paragangliomas and pheochromocytomas; Hereditary Paraganglioma-Pheochromocytoma Syndromes; Hereditary pheochromocytoma-paraganglioma. Identifiers: Orphanet 29072, MedGen C4274332, MONDO:0017366.

Allele frequency attached by ClinVar (database versions not stated): gnomAD exomes below 0.00001.
gnomAD v4.1: 1 of 1,606,824 alleles (0.000062%); highest among the groups gnomAD compares: Non-Finnish European, 0.000085%; no homozygotes.

Submissions (3):

Myriad Genetics, Inc.
Classification: Benign for Hereditary pheochromocytoma and paraganglioma. Last evaluated: 2026-07-29. Review status: criteria provided, single submitter. Criteria: Myriad Autosomal Dominant, Autosomal Recessive and X-Linked Classification Criteria (2023). Collection method: clinical testing. Allele origin: unknown.
Comment: This variant is considered benign. This variant is a silent/synonymous amino acid change and it is not expected to impact splicing.

Labcorp Genetics (formerly Invitae), Labcorp
Classification: Likely benign for Hereditary pheochromocytoma and paraganglioma. Last evaluated: 2025-10-01. Review status: criteria provided, single submitter. Criteria: Invitae Variant Classification Sherloc (09022015). Collection method: clinical testing. Allele origin: germline.

Ambry Genetics
Classification: Likely benign for Hereditary cancer-predisposing syndrome. Last evaluated: 2024-07-01. Review status: criteria provided, single submitter. Criteria: Ambry Variant Classification Scheme 2023. Collection method: clinical testing. Allele origin: germline.

NM_017849.4(TMEM127):c.168C>T (p.Ile56=)

Gene: TMEM127 (transmembrane protein 127; minus strand). Cytogenetic location: 2q11.2.
Variant type: single nucleotide variant.
Coding change: c.168C>T on transcript NM_017849.4 (MANE Select); coding-DNA position 168, C replaced by T.
Protein change: p.Ile56=; no amino-acid change (isoleucine 56 retained).
Molecular consequence: synonymous variant.
Genome position (GRCh38, 1-based): chr2:96,265,214, G>A on the plus strand (C>T on the coding strand, the complement: TMEM127 is on the minus strand). VCF-style: chr2-96265214-G-A. GRCh37 (hg19) VCF-style: chr2-96930952-G-A.
Other names: c.168C>T (NM_017849.3); c.168C>T, p.Ile56= (NM_001193304.3).
Identifiers: ClinVar variation 1143275 (VCV001143275.11), dbSNP rs2104307611, ClinGen allele CA427496321.